The following is an entry in ClinVar:

NC_000006.11:g.(?_65655666)_(65707616_?)del

Gene: EYS (eyes shut homolog; minus strand). Cytogenetic location: 6q12.
Variant type: Deletion.
Identifiers: ClinVar variation 3246105 (VCV003246105.1).

ClinVar aggregate classification (germline): Pathogenic (1 of 4 stars; one submission).

Submission:

Labcorp Genetics (formerly Invitae), Labcorp
Classification: Pathogenic. Last evaluated: 2023-12-10. Review status: criteria provided, single submitter. Criteria: Invitae Variant Classification Sherloc (09022015). Collection method: clinical testing. Allele origin: unknown.
Comment: This variant is a gross deletion of the genomic region encompassing exon(s) 14-15 of the EYS gene. This deletion is out-of-frame, and is expected to create a premature termination codon and result in an absent or disrupted protein product. Loss-of-function variants in EYS are known to be pathogenic (PMID: 18836446, 20333770). This variant has not been reported in the literature in individuals affected with EYS-related conditions. For these reasons, this variant has been classified as Pathogenic.

Literature cited by the submitters: PubMed 18836446; PubMed 20333770.